The following is an entry in ClinVar:

NM_022552.5(DNMT3A):c.447G>A (p.Ala149=)

Gene: DNMT3A (DNA methyltransferase 3 alpha; minus strand). Cytogenetic location: 2p23.3.
Variant type: single nucleotide variant.
Coding change: c.447G>A on transcript NM_022552.5 (MANE Select); coding-DNA position 447, G replaced by A.
Protein change: p.Ala149=; no amino-acid change (alanine 149 retained).
Molecular consequence: synonymous variant. On other transcripts: non-coding transcript variant (1).
Genome position (GRCh38, 1-based): chr2:25,282,442, C>T on the plus strand (G>A on the coding strand, the complement: DNMT3A is on the minus strand). VCF-style: chr2-25282442-C-T. GRCh37 (hg19) VCF-style: chr2-25505311-C-T.
Other names: c.447G>A, p.Ala149= (NM_001320892.2, NM_175629.2, NM_175630.1).
Identifiers: ClinVar variation 475177 (VCV000475177.9), dbSNP rs763553315, ClinGen allele CA1556478.

ClinVar aggregate classification (germline): Uncertain significance (1 of 4 stars; one submission).

Conditions:
Tatton-Brown-Rahman overgrowth syndrome. Also called: Tall stature-intellectual disability-facial dysmorphism syndrome; Tatton-Brown-Rahman syndrome. Identifiers: Orphanet 404443, MedGen C4014545, MONDO:0014382, OMIM 615879.

Allele frequency attached by ClinVar (database versions not stated): TOPMed 0.00001; ExAC 0.00002; gnomAD 0.00002; gnomAD exomes 0.00002.
gnomAD v4.1: 38 of 1,612,074 alleles (0.0024%); highest among the groups gnomAD compares: Admixed American, 0.0033%; no homozygotes.

Submission:

Labcorp Genetics (formerly Invitae), Labcorp
Classification: Uncertain significance for Tatton-Brown-Rahman overgrowth syndrome. Last evaluated: 2025-09-20. Review status: criteria provided, single submitter. Criteria: Invitae Variant Classification Sherloc (09022015). Collection method: clinical testing. Allele origin: germline.
Comment: This sequence change affects codon 149 of the DNMT3A mRNA. It is a 'silent' change, meaning that it does not change the encoded amino acid sequence of the DNMT3A protein. It affects a nucleotide within the consensus splice site. This variant is present in population databases (rs763553315, gnomAD 0.008%). This variant has not been reported in the literature in individuals affected with DNMT3A-related conditions. ClinVar contains an entry for this variant (Variation ID: 475177). Algorithms developed to predict the effect of sequence changes on RNA splicing suggest that this variant is not likely to affect RNA splicing. In summary, the available evidence is currently insufficient to determine the role of this variant in disease. Therefore, it has been classified as a Variant of Uncertain Significance.